The following is an entry in ClinVar:

NM_000540.3(RYR1):c.14432C>T (p.Ala4811Val)

Gene: RYR1 (ryanodine receptor 1; plus strand). Cytogenetic location: 19q13.2.
Variant type: single nucleotide variant.
Coding change: c.14432C>T on transcript NM_000540.3 (MANE Select); coding-DNA position 14432, C replaced by T.
Protein change: p.Ala4811Val; replaces alanine 4811 with valine.
Molecular consequence: missense variant.
Genome position (GRCh38, 1-based): chr19:38,580,049, C>T. VCF-style: chr19-38580049-C-T. GRCh37 (hg19) VCF-style: chr19-39070689-C-T.
Other names: c.14417C>T, p.Ala4806Val (NM_001042723.2); short protein forms A4806V, A4811V.
Identifiers: ClinVar variation 3392580 (VCV003392580.3).

ClinVar aggregate classification (germline): Uncertain significance. Review status: criteria provided, multiple submitters, no conflicts (2 of 4 stars). 2 submissions from 2 submitters: Uncertain significance (2). Last evaluated 2024-06-28.

Conditions:
RYR1-related disorder. Also called: RYR1-related condition; RYR1-related disorders. Identifiers: MedGen CN239331.

Submissions (2):

Labcorp Genetics (formerly Invitae), Labcorp
Classification: Uncertain significance for RYR1-related disorder. Last evaluated: 2024-06-28. Review status: criteria provided, single submitter. Criteria: Invitae Variant Classification Sherloc (09022015). Collection method: clinical testing. Allele origin: germline.
Comment: This sequence change replaces alanine, which is neutral and non-polar, with valine, which is neutral and non-polar, at codon 4811 of the RYR1 protein (p.Ala4811Val). This variant is not present in population databases (gnomAD no frequency). This variant has not been reported in the literature in individuals affected with RYR1-related conditions. Advanced modeling of protein sequence and biophysical properties (such as structural, functional, and spatial information, amino acid conservation, physicochemical variation, residue mobility, and thermodynamic stability) performed at Invitae indicates that this missense variant is expected to disrupt RYR1 protein function with a positive predictive value of 95%. In summary, the available evidence is currently insufficient to determine the role of this variant in disease. Therefore, it has been classified as a Variant of Uncertain Significance.

GeneDx
Classification: Uncertain significance. Last evaluated: 2024-06-24. Review status: criteria provided, single submitter. Criteria: GeneDx Variant Classification Process June 2021. Collection method: clinical testing. Allele origin: germline. Affected: yes.
Comment: Not observed at significant frequency in large population cohorts (gnomAD); In silico analysis supports that this missense variant has a deleterious effect on protein structure/function; Has not been previously published as pathogenic or benign to our knowledge; This variant is associated with the following publications: (PMID: 20681998, 33767344)